The following is an entry in ClinVar:

ClinVar aggregate classification (germline): Conflicting classifications of pathogenicity. Review status: criteria provided, conflicting classifications (1 of 4 stars). 9 submissions from 9 submitters: Uncertain significance (4); Likely benign (2). 3 of the submissions do not count toward it. Last evaluated 2026-01-20.

Conditions:
Centromeric instability of chromosomes 1,9 and 16 and immunodeficiency (ICF1). Also called: Immunodeficiency-centromeric instability-facial anomalies; CENTROMERIC INSTABILITY, IMMUNODEFICIENCY SYNDROME; IMMUNE DEFICIENCY, VARIABLE, WITH CENTROMERIC INSTABILITY OF CHROMOSOMES 1, 9, AND 16; IMMUNODEFICIENCY SYNDROME, VARIABLE. Identifiers: Orphanet 2268, MedGen C0398788, MONDO:0000133.
Immunodeficiency-centromeric instability-facial anomalies syndrome 1 (ICF1). Identifiers: Orphanet 2268, MedGen C4551557, MONDO:0009454, OMIM 242860.
Inborn genetic diseases. Identifiers: MedGen C0950123, MeSH D030342.
DNMT3B-related disorder. Also called: DNMT3B-related condition.

Allele frequency attached by ClinVar (database versions not stated): 1000 Genomes Project 0.00040; 1000 Genomes Project 30x 0.00047; ExAC 0.00076; gnomAD 0.00077 and 0.00079; gnomAD exomes 0.00077; TOPMed 0.00077; ESP Exome Variant Server 0.00092.
gnomAD v4.1: 1,631 of 1,613,942 alleles (0.1%); highest among the groups gnomAD compares: Non-Finnish European, 0.13%; 3 homozygotes.

Submissions (9):

Labcorp Genetics (formerly Invitae), Labcorp
Classification: Likely benign for Centromeric instability of chromosomes 1,9 and 16 and immunodeficiency. Last evaluated: 2026-01-20. Review status: criteria provided, single submitter. Criteria: Invitae Variant Classification Sherloc (09022015). Collection method: clinical testing. Allele origin: germline.

Blueprint Genetics
Classification: Uncertain significance. Last evaluated: 2024-11-01. Review status: criteria provided, single submitter. Criteria: ACMG Guidelines, 2015. Collection method: clinical testing. Allele origin: germline.

Women's Health and Genetics/Laboratory Corporation of America, LabCorp
Classification: Likely benign. Last evaluated: 2024-08-19. Review status: criteria provided, single submitter. Criteria: LabCorp Variant Classification Summary - May 2015. Collection method: clinical testing. Allele origin: germline.
Comment: Variant summary: DNMT3B c.73G>A (p.Gly25Arg) results in a non-conservative amino acid change in the encoded protein sequence. Four of five in-silico tools predict a damaging effect of the variant on protein function. The variant allele was found at a frequency of 0.001 in 1613942 control chromosomes, predominantly at a frequency of 0.0013 within the Non-Finnish European subpopulation in the gnomAD database, including 3 homozygotes. The observed variant frequency within Non-Finnish European control individuals in the gnomAD database is approximately 1.2 fold of the estimated maximal expected allele frequency for a pathogenic variant in DNMT3B causing ICF Syndrome, Type 1 phenotype (0.0011). c.73G>A has been reported in the literature in a heterozygous individual affected with malignant Hodgkin lymphoma, B cell deficiency without evidence of causality (e.g. Rudilla_2019). This report does not provide unequivocal conclusions about association of the variant with ICF Syndrome, Type 1. To our knowledge, no experimental evidence demonstrating an impact on protein function has been reported. The following publication has been ascertained in the context of this evaluation (PMID: 31681265). ClinVar contains an entry for this variant (Variation ID: 530703). Based on the evidence outlined above, the variant was classified as likely benign.

Ambry Genetics
Classification: Uncertain significance for Inborn genetic diseases. Last evaluated: 2022-01-10. Review status: criteria provided, single submitter. Criteria: Ambry Variant Classification Scheme 2023. Collection method: clinical testing. Allele origin: germline.

CeGaT Center for Human Genetics Tuebingen
Classification: Uncertain significance. Last evaluated: 2018-04-01. Review status: criteria provided, single submitter. Criteria: CeGaT Center For Human Genetics Tuebingen Variant Classification Criteria Version 2. Collection method: clinical testing. Allele origin: germline. Affected: yes. Observed: 1 variant allele.

Illumina Laboratory Services, Illumina
Classification: Uncertain significance for Immunodeficiency-centromeric instability-facial anomalies syndrome 1. Last evaluated: 2017-04-28. Review status: criteria provided, single submitter. Criteria: ICSL Variant Classification Criteria 13 December 2019. Collection method: clinical testing. Allele origin: germline.
Comment: This variant was observed as part of a predisposition screen in an ostensibly healthy population. A literature search was performed for the gene, cDNA change, and amino acid change (where applicable). Publications were found based on this search. However, the evidence from the literature, in combination with allele frequency data from public databases where available, was not sufficient to rule this variant in or out of causing disease. Therefore, this variant is classified as a variant of unknown significance.

PreventionGenetics, part of Exact Sciences
Classification: Uncertain significance for DNMT3B-related condition. Last evaluated: 2024-03-22. Review status: no assertion criteria provided. Collection method: clinical testing. Allele origin: germline. Not counted in ClinVar's aggregate classification.
Comment: The DNMT3B c.73G>A variant is predicted to result in the amino acid substitution p.Gly25Arg. This variant was reported in an individual with Hirschsprung disease (Torroglosa et al 2014. PubMed ID: 24577265). This variant is reported in 0.12% of alleles in individuals of Latino descent in gnomAD. At this time, the clinical significance of this variant is uncertain due to the absence of conclusive functional and genetic evidence.

Clinical Genetics DNA and cytogenetics Diagnostics Lab, Erasmus MC, Erasmus Medical Center
Classification: Uncertain significance. Review status: no assertion criteria provided. Collection method: clinical testing. Allele origin: germline. Affected: yes. Study: VKGL Data-share Consensus. Not counted in ClinVar's aggregate classification.

Diagnostic Laboratory, Department of Genetics, University Medical Center Groningen
Classification: Uncertain significance. Review status: no assertion criteria provided. Collection method: clinical testing. Allele origin: germline. Affected: yes. Study: VKGL Data-share Consensus. Not counted in ClinVar's aggregate classification.

Literature cited by the submitters: PubMed 31681265 (cited by Women's Health and Genetics/Laboratory Corporation of America, LabCorp); PubMed 24577265 (cited by Illumina Laboratory Services, Illumina).

NM_006892.4(DNMT3B):c.73G>A (p.Gly25Arg)

Gene: DNMT3B (DNA methyltransferase 3 beta; plus strand). Cytogenetic location: 20q11.21.
Variant type: single nucleotide variant.
Coding change: c.73G>A on transcript NM_006892.4 (MANE Select); coding-DNA position 73, G replaced by A.
Protein change: p.Gly25Arg; replaces glycine 25 with arginine.
Molecular consequence: missense variant.
Genome position (GRCh38, 1-based): chr20:32,780,396, G>A. VCF-style: chr20-32780396-G-A. GRCh37 (hg19) VCF-style: chr20-31368202-G-A.
Other names: c.73G>A, p.Gly25Arg (NM_001207055.2, NM_001207056.2, NM_175848.2 and 1 more transcripts); c.109G>A, p.Gly37Arg (NM_175850.3); short protein forms G25R, G37R.
Identifiers: ClinVar variation 530703 (VCV000530703.58), dbSNP rs151128145, ClinGen allele CA9810020.